The following continues an entry in ClinVar:

NM_003119.4(SPG7):c.1529C>T (p.Ala510Val)

Gene: SPG7. ClinVar aggregate classification (germline): Pathogenic/Likely pathogenic. Pathogenic (55); Likely pathogenic (11).

Submissions 75 to 101 of 101:

Dr. Peter K. Rogan Lab, Western University
No classification provided (evidence only). Condition: Clear cell carcinoma of kidney. Review status: no classification provided. Collection method: in vitro. Allele origin: not applicable. Functional consequence: retained intron. Not counted in ClinVar's aggregate classification.

Dr. Peter K. Rogan Lab, Western University
No classification provided (evidence only). Condition: Lung cancer. Review status: no classification provided. Collection method: in vitro. Allele origin: not applicable. Functional consequence: retained intron. Not counted in ClinVar's aggregate classification.

Dr. Peter K. Rogan Lab, Western University
No classification provided (evidence only). Condition: Lung cancer. Review status: no classification provided. Collection method: in vitro. Allele origin: not applicable. Functional consequence: retained intron. Not counted in ClinVar's aggregate classification.

Dr. Peter K. Rogan Lab, Western University
No classification provided (evidence only). Condition: Lung cancer. Review status: no classification provided. Collection method: in vitro. Allele origin: not applicable. Functional consequence: skipped exon, retained intron. Not counted in ClinVar's aggregate classification.

Dr. Peter K. Rogan Lab, Western University
No classification provided (evidence only). Condition: Melanoma. Review status: no classification provided. Collection method: in vitro. Allele origin: not applicable. Functional consequence: retained intron. Not counted in ClinVar's aggregate classification.

Dr. Peter K. Rogan Lab, Western University
No classification provided (evidence only). Condition: Familial cancer of breast. Review status: no classification provided. Collection method: in vitro. Allele origin: not applicable. Functional consequence: retained intron. Not counted in ClinVar's aggregate classification.

Dr. Peter K. Rogan Lab, Western University
No classification provided (evidence only). Condition: Familial cancer of breast. Review status: no classification provided. Collection method: in vitro. Allele origin: not applicable. Functional consequence: skipped exon, retained intron. Not counted in ClinVar's aggregate classification.

Dr. Peter K. Rogan Lab, Western University
No classification provided (evidence only). Condition: Familial cancer of breast. Review status: no classification provided. Collection method: in vitro. Allele origin: not applicable. Functional consequence: retained intron. Not counted in ClinVar's aggregate classification.

Dr. Peter K. Rogan Lab, Western University
No classification provided (evidence only). Condition: Familial cancer of breast. Review status: no classification provided. Collection method: in vitro. Allele origin: not applicable. Functional consequence: retained intron. Not counted in ClinVar's aggregate classification.

Dr. Peter K. Rogan Lab, Western University
No classification provided (evidence only). Condition: Acute myeloid leukemia. Review status: no classification provided. Collection method: in vitro. Allele origin: not applicable. Functional consequence: skipped exon, retained intron. Not counted in ClinVar's aggregate classification.

Dr. Peter K. Rogan Lab, Western University
No classification provided (evidence only). Condition: Thyroid cancer, nonmedullary, 1. Review status: no classification provided. Collection method: in vitro. Allele origin: not applicable. Functional consequence: skipped exon, retained intron. Not counted in ClinVar's aggregate classification.

Dr. Peter K. Rogan Lab, Western University
No classification provided (evidence only). Condition: Uterine corpus endometrial carcinoma. Review status: no classification provided. Collection method: in vitro. Allele origin: not applicable. Functional consequence: retained intron. Not counted in ClinVar's aggregate classification.

Dr. Peter K. Rogan Lab, Western University
No classification provided (evidence only). Condition: Uterine corpus endometrial carcinoma. Review status: no classification provided. Collection method: in vitro. Allele origin: not applicable. Functional consequence: retained intron. Not counted in ClinVar's aggregate classification.

Dr. Peter K. Rogan Lab, Western University
No classification provided (evidence only). Condition: Uterine corpus endometrial carcinoma. Review status: no classification provided. Collection method: in vitro. Allele origin: not applicable. Functional consequence: retained intron. Not counted in ClinVar's aggregate classification.

Dr. Peter K. Rogan Lab, Western University
No classification provided (evidence only). Condition: Cervical cancer. Review status: no classification provided. Collection method: in vitro. Allele origin: not applicable. Functional consequence: skipped exon, retained intron. Not counted in ClinVar's aggregate classification.

Dr. Peter K. Rogan Lab, Western University
No classification provided (evidence only). Condition: Cervical cancer. Review status: no classification provided. Collection method: in vitro. Allele origin: not applicable. Functional consequence: skipped exon, retained intron. Not counted in ClinVar's aggregate classification.

Dr. Peter K. Rogan Lab, Western University
No classification provided (evidence only). Condition: Sarcoma. Review status: no classification provided. Collection method: in vitro. Allele origin: not applicable. Functional consequence: skipped exon. Not counted in ClinVar's aggregate classification.

Dr. Peter K. Rogan Lab, Western University
No classification provided (evidence only). Condition: Sarcoma. Review status: no classification provided. Collection method: in vitro. Allele origin: not applicable. Functional consequence: skipped exon, retained intron. Not counted in ClinVar's aggregate classification.

Dr. Peter K. Rogan Lab, Western University
No classification provided (evidence only). Condition: Hepatocellular carcinoma. Review status: no classification provided. Collection method: in vitro. Allele origin: not applicable. Functional consequence: skipped exon, retained intron. Not counted in ClinVar's aggregate classification.

Dr. Peter K. Rogan Lab, Western University
No classification provided (evidence only). Condition: Thymoma. Review status: no classification provided. Collection method: in vitro. Allele origin: not applicable. Functional consequence: retained intron. Not counted in ClinVar's aggregate classification.

Dr. Peter K. Rogan Lab, Western University
No classification provided (evidence only). Condition: Thymoma. Review status: no classification provided. Collection method: in vitro. Allele origin: not applicable. Functional consequence: retained intron. Not counted in ClinVar's aggregate classification.

Dr. Peter K. Rogan Lab, Western University
No classification provided (evidence only). Condition: Ovarian serous cystadenocarcinoma. Review status: no classification provided. Collection method: in vitro. Allele origin: not applicable. Functional consequence: retained intron. Not counted in ClinVar's aggregate classification.

Dr. Peter K. Rogan Lab, Western University
No classification provided (evidence only). Condition: Gastric cancer. Review status: no classification provided. Collection method: in vitro. Allele origin: not applicable. Functional consequence: retained intron. Not counted in ClinVar's aggregate classification.

Dr. Peter K. Rogan Lab, Western University
No classification provided (evidence only). Condition: Uveal melanoma. Review status: no classification provided. Collection method: in vitro. Allele origin: not applicable. Functional consequence: retained intron. Not counted in ClinVar's aggregate classification.

GeneReviews
No classification provided. Condition: Hereditary spastic paraplegia 7. Review status: no classification provided. Collection method: literature only. Allele origin: germline. Not counted in ClinVar's aggregate classification.

Genome Diagnostics Laboratory, Amsterdam University Medical Center
Classification: Pathogenic. Review status: no assertion criteria provided. Collection method: clinical testing. Allele origin: germline. Affected: yes. Study: VKGL Data-share Consensus. Not counted in ClinVar's aggregate classification.

NIHR Bioresource Rare Diseases, University of Cambridge
Classification: Pathogenic for Spastic ataxia; Sensorimotor neuropathy. Review status: no assertion criteria provided. Collection method: research. Allele origin: unknown. Affected: yes. Observed: 2 variant alleles. Not counted in ClinVar's aggregate classification.

Literature cited by the submitters: PubMed 30533525 (cited by Victorian Clinical Genetics Services, Murdoch Childrens Research Institute); PubMed 20301286 (cited by 3 submitters); PubMed 20186691 (cited by 16 submitters); PubMed 30098094 (cited by 9 submitters).